The following is an entry in ClinVar:

NM_000059.4(BRCA2):c.5437C>A (p.Leu1813Ile)

Gene: BRCA2 (BRCA2 DNA repair associated; plus strand). Cytogenetic location: 13q13.1.
Variant type: single nucleotide variant.
Coding change: c.5437C>A on transcript NM_000059.4 (MANE Select); coding-DNA position 5437, C replaced by A.
Protein change: p.Leu1813Ile; replaces leucine 1813 with isoleucine.
Molecular consequence: missense variant.
Genome position (GRCh38, 1-based): chr13:32,339,792, C>A. VCF-style: chr13-32339792-C-A. GRCh37 (hg19) VCF-style: chr13-32913929-C-A.
Other names: short protein forms L1813I.
Identifiers: ClinVar variation 481560 (VCV000481560.22), dbSNP rs1555284228, ClinGen allele CA387785511.

ClinVar aggregate classification (germline): Conflicting classifications of pathogenicity. Review status: criteria provided, conflicting classifications (1 of 4 stars). 7 submissions from 7 submitters: Uncertain significance (4); Likely benign (3). Last evaluated 2025-08-20.

Conditions:
BRCA2-related cancer predisposition. Identifiers: MedGen CN377758, MONDO:0700269.
Hereditary breast ovarian cancer syndrome. Also called: Hereditary breast and ovarian cancer syndrome; Hereditary breast and ovarian cancer; Hereditary breast and ovarian cancer syndrome (HBOC); Breast and ovarian cancer; Hereditary breast and/or ovarian cancer syndrome; BRCA1- and BRCA2-Associated Hereditary Breast and Ovarian Cancer. Identifiers: Orphanet 145, MedGen C0677776, MeSH D061325, MONDO:0003582. Disease mechanism: loss of function.
Hereditary cancer-predisposing syndrome. Also called: Neoplastic Syndromes, Hereditary; Tumor predisposition; Hereditary Cancer Syndrome; Hereditary neoplastic syndrome. Identifiers: Orphanet 140162, MedGen C0027672, MeSH D009386, MONDO:0015356.

Allele frequency attached by ClinVar (database versions not stated): gnomAD exomes below 0.00001.

Submissions (7):

Ambry Genetics
Classification: Likely benign for Hereditary cancer-predisposing syndrome. Last evaluated: 2025-08-20. Review status: criteria provided, single submitter. Criteria: Ambry Variant Classification Scheme 2023. Collection method: clinical testing. Allele origin: germline.

Center for Genomic Medicine, Rigshospitalet, Copenhagen University Hospital
Classification: Likely benign. Last evaluated: 2025-03-04. Review status: criteria provided, single submitter. Criteria: ACMG Guidelines, 2015. Collection method: clinical testing. Allele origin: germline.

All of Us Research Program, National Institutes of Health
Classification: Uncertain significance for BRCA2-related cancer predisposition. Last evaluated: 2024-03-24. Review status: criteria provided, single submitter. Criteria: ACMG Guidelines, 2015. Collection method: clinical testing. Allele origin: germline. Inheritance: Autosomal dominant inheritance. Observed: 1 variant allele, 1 heterozygote.
Comment: This missense variant replaces leucine with isoleucine at codon 1813 of the BRCA2 protein. Computational prediction suggests that this variant may not impact protein structure and function. To our knowledge, functional studies have not been reported for this variant. This variant has not been reported in individuals affected with BRCA2-related disorders in the literature. This variant has not been identified in the general population by the Genome Aggregation Database (gnomAD). The available evidence is insufficient to determine the role of this variant in disease conclusively. Therefore, this variant is classified as a Variant of Uncertain Significance.

This study involves interpretation of variants in research participants for the purpose of population health screening. Participant phenotype was not available at the time of variant classification. Additional details can be found in publication PMID: 35346344, PMCID: PMC8962531

Color Diagnostics, LLC DBA Color Health
Classification: Uncertain significance for Hereditary cancer-predisposing syndrome. Last evaluated: 2024-02-15. Review status: criteria provided, single submitter. Criteria: ACMG Guidelines, 2015. Collection method: clinical testing. Allele origin: germline.
Comment: This missense variant replaces leucine with isoleucine at codon 1813 of the BRCA2 protein. Computational prediction suggests that this variant may not impact protein structure and function. To our knowledge, functional studies have not been reported for this variant. This variant has not been reported in individuals affected with BRCA2-related disorders in the literature. This variant has not been identified in the general population by the Genome Aggregation Database (gnomAD). The available evidence is insufficient to determine the role of this variant in disease conclusively. Therefore, this variant is classified as a Variant of Uncertain Significance.

Labcorp Genetics (formerly Invitae), Labcorp
Classification: Uncertain significance for Hereditary breast ovarian cancer syndrome. Last evaluated: 2023-08-04. Review status: criteria provided, single submitter. Criteria: Invitae Variant Classification Sherloc (09022015). Collection method: clinical testing. Allele origin: germline.
Comment: In summary, the available evidence is currently insufficient to determine the role of this variant in disease. Therefore, it has been classified as a Variant of Uncertain Significance. Advanced modeling of protein sequence and biophysical properties (such as structural, functional, and spatial information, amino acid conservation, physicochemical variation, residue mobility, and thermodynamic stability) performed at Invitae indicates that this missense variant is not expected to disrupt BRCA2 protein function. ClinVar contains an entry for this variant (Variation ID: 481560). This variant has not been reported in the literature in individuals affected with BRCA2-related conditions. This variant is not present in population databases (gnomAD no frequency). This sequence change replaces leucine, which is neutral and non-polar, with isoleucine, which is neutral and non-polar, at codon 1813 of the BRCA2 protein (p.Leu1813Ile).

GeneDx
Classification: Uncertain significance. Last evaluated: 2023-06-13. Review status: criteria provided, single submitter. Criteria: GeneDx Variant Classification Process June 2021. Collection method: clinical testing. Allele origin: germline. Affected: yes.
Comment: Not observed at significant frequency in large population cohorts (gnomAD); In silico analysis supports that this missense variant does not alter protein structure/function; Has not been previously published as pathogenic or benign to our knowledge; Also known as 5665C>A; This variant is associated with the following publications: (PMID: 31911673)

University of Washington Department of Laboratory Medicine, University of Washington
Classification: Likely benign for Hereditary cancer-predisposing syndrome. Last evaluated: 2023-03-23. Review status: criteria provided, single submitter. Criteria: Dines et al. (Genet Med. 2020). Collection method: curation. Allele origin: germline.
Comment: Missense variant in a coldspot region where missense variants are very unlikely to be pathogenic (PMID:31911673).

BRCA2 exon 11 coldspot. Reclassification based on statistical prior probability.